The following is an entry in ClinVar:

NM_006158.5(NEFL):c.307A>T (p.Ser103Cys)

Gene: NEFL (neurofilament light chain; minus strand). Cytogenetic location: 8p21.2.
Variant type: single nucleotide variant.
Coding change: c.307A>T on transcript NM_006158.5 (MANE Select); coding-DNA position 307, A replaced by T.
Protein change: p.Ser103Cys; replaces serine 103 with cysteine.
Molecular consequence: missense variant.
Genome position (GRCh38, 1-based): chr8:24,956,209, T>A on the plus strand (A>T on the coding strand, the complement: NEFL is on the minus strand). VCF-style: chr8-24956209-T-A. GRCh37 (hg19) VCF-style: chr8-24813723-T-A.
Other names: short protein forms S103C.
Identifiers: ClinVar variation 2430444 (VCV002430444.1), dbSNP rs769504432, ClinGen allele CA4681521.

ClinVar aggregate classification (germline): Uncertain significance (1 of 4 stars; one submission).

Allele frequency attached by ClinVar (database versions not stated): ExAC 0.00001.

Submission:

GeneDx
Classification: Uncertain significance. Last evaluated: 2022-08-18. Review status: criteria provided, single submitter. Criteria: GeneDx Variant Classification Process June 2021. Collection method: clinical testing. Allele origin: germline. Affected: yes.
Comment: Not observed at significant frequency in large population cohorts (gnomAD); In silico analysis supports that this missense variant does not alter protein structure/function; Has not been previously published as pathogenic or benign to our knowledge